The following is an entry in ClinVar:

ClinVar aggregate classification (germline): Uncertain significance. Review status: criteria provided, multiple submitters, no conflicts (2 of 4 stars). 2 submissions from 2 submitters: Uncertain significance (2). Last evaluated 2025-11-24.

Submissions (2):

Ambry Genetics
Classification: Uncertain significance. Last evaluated: 2025-11-24. Review status: criteria provided, single submitter. Criteria: Ambry Variant Classification Scheme 2023. Collection method: clinical testing. Allele origin: germline.

Labcorp Genetics (formerly Invitae), Labcorp
Classification: Uncertain significance. Last evaluated: 2025-08-02. Review status: criteria provided, single submitter. Criteria: Invitae Variant Classification Sherloc (09022015). Collection method: clinical testing. Allele origin: germline.
Comment: This sequence change replaces proline, which is neutral and non-polar, with alanine, which is neutral and non-polar, at codon 1591 of the NYNRIN protein (p.Pro1591Ala). This variant is present in population databases (rs764692390, gnomAD 0.02%). This variant has not been reported in the literature in individuals affected with NYNRIN-related conditions. Experimental studies and prediction algorithms are not available or were not evaluated, and the functional significance of this variant is currently unknown. In summary, the available evidence is currently insufficient to determine the role of this variant in disease. Therefore, it has been classified as a Variant of Uncertain Significance.

NM_025081.3(NYNRIN):c.4771C>G (p.Pro1591Ala)

Gene: NYNRIN (NYN domain and retroviral integrase containing; plus strand). Cytogenetic location: 14q12.
Variant type: single nucleotide variant.
Coding change: c.4771C>G on transcript NM_025081.3 (MANE Select); coding-DNA position 4771, C replaced by G.
Protein change: p.Pro1591Ala; replaces proline 1591 with alanine.
Molecular consequence: missense variant.
Genome position (GRCh38, 1-based): chr14:24,416,520, C>G. VCF-style: chr14-24416520-C-G. GRCh37 (hg19) VCF-style: chr14-24885726-C-G.
Other names: short protein forms P1591A.
Identifiers: ClinVar variation 4560348 (VCV004560348.2).